The following is an entry in ClinVar:

ClinVar aggregate classification (germline): Uncertain significance (1 of 4 stars; one submission).

Submission:

GeneDx
Classification: Uncertain significance. Last evaluated: 2026-02-08. Review status: criteria provided, single submitter. Criteria: GeneDx Variant Classification Process June 2021. Collection method: clinical testing. Allele origin: germline.
Comment: Not observed at significant frequency in large population cohorts (gnomAD); In silico analysis supports that this missense variant has a deleterious effect on protein structure/function; Has not been previously published as pathogenic or benign to our knowledge

NM_004415.4(DSP):c.3007T>C (p.Tyr1003His)

Gene: DSP (desmoplakin; plus strand). Cytogenetic location: 6p24.3.
Variant type: single nucleotide variant.
Coding change: c.3007T>C on transcript NM_004415.4 (MANE Select); coding-DNA position 3007, T replaced by C.
Protein change: p.Tyr1003His; replaces tyrosine 1003 with histidine.
Molecular consequence: missense variant.
Genome position (GRCh38, 1-based): chr6:7,578,485, T>C. VCF-style: chr6-7578485-T-C. GRCh37 (hg19) VCF-style: chr6-7578718-T-C.
Other names: c.3007T>C, p.Tyr1003His (NM_001008844.3, NM_001319034.2); short protein forms Y1003H.
Identifiers: ClinVar variation 4976376 (VCV004976376.1).